The following is an entry in ClinVar:

NM_005228.5(EGFR):c.2165C>T (p.Ala722Val)

Gene: EGFR (epidermal growth factor receptor; plus strand). Cytogenetic location: 7p11.2.
Variant type: single nucleotide variant.
Coding change: c.2165C>T on transcript NM_005228.5 (MANE Select); coding-DNA position 2165, C replaced by T.
Protein change: p.Ala722Val; replaces alanine 722 with valine.
Molecular consequence: missense variant.
Genome position (GRCh38, 1-based): chr7:55,174,024, C>T. VCF-style: chr7-55174024-C-T. GRCh37 (hg19) VCF-style: chr7-55241717-C-T.
Other names: c.2030C>T, p.Ala677Val (NM_001346897.2, NM_001346899.2); c.2165C>T, p.Ala722Val (NM_001346898.2); c.2006C>T, p.Ala669Val (NM_001346900.2); c.1364C>T, p.Ala455Val (NM_001346941.2); c.2165C>T (NM_005228.4); short protein forms A722V, A455V, A669V, A677V.
Identifiers: ClinVar variation 1903556 (VCV001903556.8), dbSNP rs762494280, ClinGen allele CA4265984.

ClinVar aggregate classification (germline): Conflicting classifications of pathogenicity. Review status: criteria provided, conflicting classifications (1 of 4 stars). 4 submissions from 4 submitters: Uncertain significance (3); Likely benign (1). Last evaluated 2025-10-29.

Conditions:
Lung cancer. Also called: Lung cancer, somatic; Malignant tumor of lung. Identifiers: MedGen C0242379, MONDO:0008903, OMIM 211980.
EGFR-related lung cancer (EGFR). Identifiers: MedGen CN130014.
Hereditary cancer-predisposing syndrome. Also called: Tumor predisposition; Neoplastic Syndromes, Hereditary; Hereditary Cancer Syndrome; Hereditary neoplastic syndrome. Identifiers: Orphanet 140162, MedGen C0027672, MeSH D009386, MONDO:0015356.

Allele frequency attached by ClinVar (database versions not stated): ExAC 0.00001; gnomAD exomes 0.00001.
gnomAD v4.1: 10 of 1,614,218 alleles (0.00062%); highest among the groups gnomAD compares: Non-Finnish European, 0.00085%; no homozygotes.

Submissions (4):

Labcorp Genetics (formerly Invitae), Labcorp
Classification: Uncertain significance for EGFR-related lung cancer. Last evaluated: 2025-10-29. Review status: criteria provided, single submitter. Criteria: Invitae Variant Classification Sherloc (09022015). Collection method: clinical testing. Allele origin: germline.
Comment: This sequence change replaces alanine, which is neutral and non-polar, with valine, which is neutral and non-polar, at codon 722 of the EGFR protein (p.Ala722Val). This variant is present in population databases (rs762494280, gnomAD 0.006%). This variant has not been reported in the literature in individuals affected with EGFR-related conditions. ClinVar contains an entry for this variant (Variation ID: 1903556). Invitae Evidence Modeling of protein sequence and biophysical properties (such as structural, functional, and spatial information, amino acid conservation, physicochemical variation, residue mobility, and thermodynamic stability) indicates that this missense variant is not expected to disrupt EGFR protein function with a negative predictive value of 80%. In summary, the available evidence is currently insufficient to determine the role of this variant in disease. Therefore, it has been classified as a Variant of Uncertain Significance.

Ambry Genetics
Classification: Uncertain significance for Hereditary cancer-predisposing syndrome. Last evaluated: 2025-07-29. Review status: criteria provided, single submitter. Criteria: Ambry Variant Classification Scheme 2023. Collection method: clinical testing. Allele origin: germline.
Comment: The p.A722V variant (also known as c.2165C>T), located in coding exon 18 of the EGFR gene, results from a C to T substitution at nucleotide position 2165. The alanine at codon 722 is replaced by valine, an amino acid with similar properties. This amino acid position is highly conserved in available vertebrate species. In addition, this alteration is predicted to be deleterious by in silico analysis. Based on the available evidence, the clinical significance of this variant remains unclear.

Myriad Genetics, Inc.
Classification: Likely benign for Lung cancer. Last evaluated: 2024-10-16. Review status: criteria provided, single submitter. Criteria: Myriad Autosomal Dominant, Autosomal Recessive and X-Linked Classification Criteria (2023). Collection method: clinical testing. Allele origin: unknown.
Comment: This variant is considered likely benign. This variant has been observed at a population frequency that is significantly greater than expected given the associated disease prevalence and penetrance.

Quest Diagnostics Nichols Institute San Juan Capistrano
Classification: Uncertain significance. Last evaluated: 2024-06-11. Review status: criteria provided, single submitter. Criteria: Quest Diagnostics criteria. Collection method: clinical testing. Allele origin: unknown.
Comment: The EGFR c.2165C>T (p.Ala722Val) variant has not been reported in individuals with EGFR-related conditions in the published literature. The frequency of this variant in the general population, 0.000012 (3/251442 chromosomes (Genome Aggregation Database)), is uninformative in the assessment of its pathogenicity. Analysis of this variant using bioinformatics tools for the prediction of the effect of amino acid changes on protein structure and function yielded conflicting predictions that this variant is deleterious or benign. Based on the available information, we are unable to determine the clinical significance of this variant.